The following is an entry in ClinVar:

ClinVar aggregate classification (germline): Uncertain significance. Review status: criteria provided, multiple submitters, no conflicts (2 of 4 stars). 2 submissions from 2 submitters: Uncertain significance (2). Last evaluated 2024-10-30.

Conditions:
Isolated microphthalmia 5. Also called: Posterior Microphthalmia with Retinitis Pigmentosa, Foveoschisis, and Optic Disc Drusen. Identifiers: Orphanet 251279, MedGen C1970236, MONDO:0012605, OMIM 611040.

Allele frequency attached by ClinVar (database versions not stated): TOPMed 0.00002.
gnomAD v4.1: 67 of 1,613,806 alleles (0.0042%); highest among the groups gnomAD compares: Admixed American, 0.03%; no homozygotes.

Submissions (2):

Blueprint Genetics
Classification: Uncertain significance. Last evaluated: 2024-10-30. Review status: criteria provided, single submitter. Criteria: ACMG Guidelines, 2015. Collection method: clinical testing. Allele origin: germline.

Labcorp Genetics (formerly Invitae), Labcorp
Classification: Uncertain significance for Isolated microphthalmia 5. Last evaluated: 2021-09-02. Review status: criteria provided, single submitter. Criteria: Invitae Variant Classification Sherloc (09022015). Collection method: clinical testing. Allele origin: germline.
Comment: This sequence change replaces proline with arginine at codon 166 of the MFRP protein (p.Pro166Arg). The proline residue is highly conserved and there is a moderate physicochemical difference between proline and arginine. This variant is present in population databases (rs200251814, ExAC 0.03%). This variant has not been reported in the literature in individuals affected with MFRP-related conditions. Algorithms developed to predict the effect of missense changes on protein structure and function are either unavailable or do not agree on the potential impact of this missense change (SIFT: "Deleterious"; PolyPhen-2: "Probably Damaging"; Align-GVGD: "Class C0"). In summary, the available evidence is currently insufficient to determine the role of this variant in disease. Therefore, it has been classified as a Variant of Uncertain Significance.

NM_031433.4(MFRP):c.497C>G (p.Pro166Arg)

Genes: C1QTNF5 (C1q and TNF related 5; minus strand), MFRP (membrane frizzled-related protein; minus strand). Cytogenetic location: 11q23.3.
Variant type: single nucleotide variant.
Coding change: c.497C>G on transcript NM_031433.4 (MANE Select); coding-DNA position 497, C replaced by G.
Protein change: p.Pro166Arg; replaces proline 166 with arginine.
Molecular consequence: missense variant. On other transcripts: 5 prime UTR variant (1).
Genome position (GRCh38, 1-based): chr11:119,345,564, G>C on the plus strand (C>G on the coding strand, the complement: MFRP is on the minus strand). VCF-style: chr11-119345564-G-C. GRCh37 (hg19) VCF-style: chr11-119216274-G-C.
Other names: c.-2140C>G (NM_015645.5); short protein forms P166R.
Identifiers: ClinVar variation 1013973 (VCV001013973.8), dbSNP rs200251814, ClinGen allele CA6320526.